The following is an entry in ClinVar:

NM_018451.5(CPAP):c.2117_2118del (p.Asp705_Ser706insTer)

Gene: CPAP (centrosome assembly and centriole elongation protein; minus strand). Cytogenetic location: 13q12.13.
Variant type: Microsatellite.
Coding change: c.2117_2118del on transcript NM_018451.5 (MANE Select); coding-DNA positions 2117 to 2118, 2 bases deleted (CT; older notation c.2117_2118delCT).
Protein change: p.Asp705_Ser706insTer.
Molecular consequence: nonsense. On other transcripts: non-coding transcript variant (2).
Genome position (GRCh38, 1-based): chr13:24,905,920-24,905,921, AG deleted on the plus strand (CT on the coding strand, the reverse complement: CPAP is on the minus strand); deleting any 2 consecutive bases within chr13:24,905,920-24,905,923 gives the same sequence; the c. name uses the placement nearest the transcript's 3' end. VCF-style (leftmost placement, unchanged base first): chr13-24905919-CAG-C. GRCh37 (hg19) VCF-style: chr13-25480057-CAG-C.
Identifiers: ClinVar variation 1032802 (VCV001032802.28), dbSNP rs761856922, ClinGen allele CA6919648.
Genomic context (GRCh38, chr13:24,905,919, plus strand): 5'-TGCTGATGCCCCTCTCTCTATCCTCAGTCGATGGTTTTATGGTAACATCAAGCTGTTCCT[CAG>C]AGTCAGTGCTACTGTCACTATTTGGAACACCTTCATCGTCACGTGCATTCCATTCAGTCT-3'

ClinVar aggregate classification (germline): Pathogenic. Review status: criteria provided, multiple submitters, no conflicts (2 of 4 stars). 3 submissions from 3 submitters: Pathogenic (3). Last evaluated 2023-08-29.

Conditions:
Microcephaly 6, primary, autosomal recessive. Identifiers: Orphanet 2512, MedGen C1842109, MONDO:0012029, OMIM 608393.

Submissions (3):

Labcorp Genetics (formerly Invitae), Labcorp
Classification: Pathogenic. Last evaluated: 2023-08-29. Review status: criteria provided, single submitter. Criteria: Invitae Variant Classification Sherloc (09022015). Collection method: clinical testing. Allele origin: germline.
Comment: For these reasons, this variant has been classified as Pathogenic. This variant is present in population databases (rs761856922, gnomAD 0.01%). This variant has not been reported in the literature in individuals affected with CENPJ-related conditions. ClinVar contains an entry for this variant (Variation ID: 1032802). This sequence change creates a premature translational stop signal (p.Ser706*) in the CENPJ gene. It is expected to result in an absent or disrupted protein product. Loss-of-function variants in CENPJ are known to be pathogenic (PMID: 15793586, 16900296, 20522431).

CeGaT Center for Human Genetics Tuebingen
Classification: Pathogenic. Last evaluated: 2023-01-01. Review status: criteria provided, single submitter. Criteria: CeGaT Center For Human Genetics Tuebingen Variant Classification Criteria Version 2. Collection method: clinical testing. Allele origin: germline. Affected: yes. Observed: 1 variant allele.
Comment: CPAP: PVS1, PM2

Baylor Genetics
Classification: Pathogenic for Microcephaly 6, primary, autosomal recessive. Last evaluated: 2018-08-09. Review status: criteria provided, single submitter. Criteria: ACMG Guidelines, 2015. Collection method: clinical testing. Allele origin: maternal. Affected: yes.
Comment: This variant was determined to be pathogenic according to ACMG Guidelines, 2015 [PMID:25741868].

Literature cited by the submitters: PubMed 15793586 (cited by Labcorp Genetics (formerly Invitae), Labcorp); PubMed 16900296 (cited by Labcorp Genetics (formerly Invitae), Labcorp); PubMed 20522431 (cited by Labcorp Genetics (formerly Invitae), Labcorp).